The following is an entry in ClinVar:

ClinVar aggregate classification (germline): Pathogenic (1 of 4 stars; one submission).

Conditions:
Intellectual developmental disorder, autosomal dominant 52. Also called: Intellectual disability, autosomal dominant 52; Mental retardation, autosomal dominant 52. Identifiers: MedGen C4540478, MONDO:0030918, OMIM 617796.

Submission:

Human Genetics Bochum, Ruhr University Bochum
Classification: Pathogenic for Intellectual developmental disorder, autosomal dominant 52. Last evaluated: 2025-08-13. Review status: criteria provided, single submitter. Criteria: ACMG Guidelines, 2015. Collection method: clinical testing. Allele origin: germline. Affected: yes.
Comment: de novo; ACMG criteria used to clasify this variant: PVS1, PS2_SUP, PM2_SUP

NM_018489.3(ASH1L):c.6103+2T>C

Gene: ASH1L (ASH1 like histone lysine methyltransferase; minus strand). Cytogenetic location: 1q22.
Variant type: single nucleotide variant.
Coding change: c.6103+2T>C on transcript NM_018489.3 (MANE Select); the canonical splice donor site of the intron after coding-DNA position 6103, T replaced by C.
Molecular consequence: splice donor variant.
Genome position (GRCh38, 1-based): chr1:155,395,457, A>G on the plus strand (T>C on the coding strand, the complement: ASH1L is on the minus strand). VCF-style: chr1-155395457-A-G. GRCh37 (hg19) VCF-style: chr1-155365248-A-G.
Other names: c.6103+2T>C (NM_001366177.2).
Identifiers: ClinVar variation 4687948 (VCV004687948.1).